The following is an entry in ClinVar:

NM_001098511.3(KIF2A):c.1717T>C (p.Ser573Pro)

Gene: KIF2A (kinesin family member 2A; plus strand). Cytogenetic location: 5q12.1.
Variant type: single nucleotide variant.
Coding change: c.1717T>C on transcript NM_001098511.3 (MANE Select); coding-DNA position 1717, T replaced by C.
Protein change: p.Ser573Pro; replaces serine 573 with proline.
Molecular consequence: missense variant. On other transcripts: intron variant (3).
Genome position (GRCh38, 1-based): chr5:62,372,508, T>C. VCF-style: chr5-62372508-T-C. GRCh37 (hg19) VCF-style: chr5-61668335-T-C.
Other names: c.1566-1179T>C (NM_001243952.2); c.1647-1179T>C (NM_004520.5); c.1590-1179T>C (NM_001243953.2); short protein forms S573P.
Identifiers: ClinVar variation 1472144 (VCV001472144.8), dbSNP rs376147732, ClinGen allele CA3279028.

ClinVar aggregate classification (germline): Uncertain significance (1 of 4 stars; one submission).

Allele frequency attached by ClinVar (database versions not stated): gnomAD exomes below 0.00001; gnomAD 0.00001; TOPMed 0.00001; ExAC 0.00002; ESP Exome Variant Server 0.00017.
gnomAD v4.1: 2 of 1,612,444 alleles (0.00012%); highest among the groups gnomAD compares: African/African-American, 0.0027%; no homozygotes.

Submission:

Labcorp Genetics (formerly Invitae), Labcorp
Classification: Uncertain significance. Last evaluated: 2022-08-16. Review status: criteria provided, single submitter. Criteria: Invitae Variant Classification Sherloc (09022015). Collection method: clinical testing. Allele origin: germline.
Comment: Algorithms developed to predict the effect of missense changes on protein structure and function are either unavailable or do not agree on the potential impact of this missense change (SIFT: "Deleterious"; PolyPhen-2: "Possibly Damaging"; Align-GVGD: "Class C0"). This sequence change replaces serine, which is neutral and polar, with proline, which is neutral and non-polar, at codon 573 of the KIF2A protein (p.Ser573Pro). This variant is present in population databases (rs376147732, gnomAD 0.01%). This variant has not been reported in the literature in individuals affected with KIF2A-related conditions. ClinVar contains an entry for this variant (Variation ID: 1472144). In summary, the available evidence is currently insufficient to determine the role of this variant in disease. Therefore, it has been classified as a Variant of Uncertain Significance.